The following is an entry in ClinVar:

ClinVar aggregate classification (germline): Uncertain significance (1 of 4 stars; one submission).

Submission:

Labcorp Genetics (formerly Invitae), Labcorp
Classification: Uncertain significance. Last evaluated: 2024-03-13. Review status: criteria provided, single submitter. Criteria: Invitae Variant Classification Sherloc (09022015). Collection method: clinical testing. Allele origin: germline.
Comment: This sequence change replaces proline, which is neutral and non-polar, with serine, which is neutral and polar, at codon 205 of the POLG2 protein (p.Pro205Ser). This variant is present in population databases (rs782691626, gnomAD 0.0009%). This variant has not been reported in the literature in individuals affected with POLG2-related conditions. An algorithm developed to predict the effect of missense changes on protein structure and function (PolyPhen-2) suggests that this variant is likely to be disruptive. In summary, the available evidence is currently insufficient to determine the role of this variant in disease. Therefore, it has been classified as a Variant of Uncertain Significance.

NM_007215.4(POLG2):c.613C>T (p.Pro205Ser)

Genes: MILR1 (mast cell immunoglobulin like receptor 1; plus strand), POLG2 (DNA polymerase gamma 2, accessory subunit; minus strand). Cytogenetic location: 17q23.3.
Variant type: single nucleotide variant.
Coding change: c.613C>T on transcript NM_007215.4 (MANE Select); coding-DNA position 613, C replaced by T.
Protein change: p.Pro205Ser; replaces proline 205 with serine.
Molecular consequence: missense variant.
Genome position (GRCh38, 1-based): chr17:64,492,971, G>A on the plus strand (C>T on the coding strand, the complement: POLG2 is on the minus strand). VCF-style: chr17-64492971-G-A. GRCh37 (hg19) VCF-style: chr17-62489088-G-A.
Other names: short protein forms P205S.
Identifiers: ClinVar variation 3605614 (VCV003605614.2).
Genomic context (GRCh38, chr17:64,492,971, plus strand): 5'-GTATCTGCTTAGTGTCAAAAACAGGATGAAAACACACTCCAATCTGAGCAAGGCCATAAG[G>A]TAGCCTCTTGTTTACCAGATCCAGGCAATTAACATAGTGTTCCAAGGCACCTGTCAAAAG-3'
Protein context (NP_009146.2, residues 195-215): NCLDLVNKRL[Pro205Ser]YGLAQIGVCF